The following is an entry in ClinVar:

NM_001199138.2(NLRC4):c.3004C>A (p.Leu1002Ile)

Gene: NLRC4 (NLR family CARD domain containing 4; minus strand). Cytogenetic location: 2p22.3.
Variant type: single nucleotide variant.
Coding change: c.3004C>A on transcript NM_001199138.2 (MANE Select); coding-DNA position 3004, C replaced by A.
Protein change: p.Leu1002Ile; replaces leucine 1002 with isoleucine.
Molecular consequence: missense variant.
Genome position (GRCh38, 1-based): chr2:32,224,544, G>T on the plus strand (C>A on the coding strand, the complement: NLRC4 is on the minus strand). VCF-style: chr2-32224544-G-T. GRCh37 (hg19) VCF-style: chr2-32449613-G-T.
Other names: c.3004C>A, p.Leu1002Ile (NM_001199139.2, NM_021209.5); c.1009C>A, p.Leu337Ile (NM_001302504.2); short protein forms L1002I, L337I.
Identifiers: ClinVar variation 2150533 (VCV002150533.4), dbSNP rs372904047, ClinGen allele CA1601633.

ClinVar aggregate classification (germline): Uncertain significance (1 of 4 stars; one submission).

Conditions:
Periodic fever-infantile enterocolitis-autoinflammatory syndrome. Also called: Autoinflammation with infantile enterocolitis. Identifiers: Orphanet 436166, MedGen C4015067, MONDO:0014472, OMIM 616050.
Familial cold autoinflammatory syndrome 4 (FCAS4). Identifiers: Orphanet 47045, Orphanet 576349, MedGen C4015276, MONDO:0014498, OMIM 616115.

Allele frequency attached by ClinVar (database versions not stated): gnomAD 0.00001; gnomAD exomes 0.00002; ExAC 0.00003; TOPMed 0.00004; ESP Exome Variant Server 0.00008.
gnomAD v4.1: 28 of 1,613,596 alleles (0.0017%); highest among the groups gnomAD compares: Non-Finnish European, 0.0022%; no homozygotes.

Submission:

Labcorp Genetics (formerly Invitae), Labcorp
Classification: Uncertain significance for Periodic fever-infantile enterocolitis-autoinflammatory syndrome; Familial cold autoinflammatory syndrome 4. Last evaluated: 2025-07-07. Review status: criteria provided, single submitter. Criteria: Invitae Variant Classification Sherloc (09022015). Collection method: clinical testing. Allele origin: germline.
Comment: This sequence change replaces leucine, which is neutral and non-polar, with isoleucine, which is neutral and non-polar, at codon 1002 of the NLRC4 protein (p.Leu1002Ile). This variant is present in population databases (rs372904047, gnomAD 0.004%). This variant has not been reported in the literature in individuals affected with NLRC4-related conditions. ClinVar contains an entry for this variant (Variation ID: 2150533). Invitae Evidence Modeling of protein sequence and biophysical properties (such as structural, functional, and spatial information, amino acid conservation, physicochemical variation, residue mobility, and thermodynamic stability) indicates that this missense variant is not expected to disrupt NLRC4 protein function with a negative predictive value of 80%. In summary, the available evidence is currently insufficient to determine the role of this variant in disease. Therefore, it has been classified as a Variant of Uncertain Significance.